The following is an entry in ClinVar:

NM_021614.4(KCNN2):c.1267dup (p.Tyr423fs)

Gene: KCNN2 (potassium calcium-activated channel subfamily N member 2; plus strand). Cytogenetic location: 5q22.3.
Variant type: Duplication.
Coding change: c.1267dup on transcript NM_021614.4 (MANE Select); coding-DNA position 1267, one base duplicated (T; older notation c.1267dupT).
Protein change: p.Tyr423fs; shifts the reading frame from tyrosine 423.
Molecular consequence: frameshift variant.
Genome position (GRCh38, 1-based): chr5:114,404,486, T duplicated; the last of 2 consecutive T bases (chr5:114,404,485-114,404,486); duplicating either gives the same sequence. VCF-style (leftmost placement, unchanged base first): chr5-114404484-C-CT. GRCh37 (hg19) VCF-style: chr5-113740181-C-CT.
Other names: c.1465dup, p.Tyr489fs (NM_001372233.1); short protein forms Y423fs, Y489fs.
Identifiers: ClinVar variation 4534846 (VCV004534846.6).

ClinVar aggregate classification (germline): Likely pathogenic (1 of 4 stars; one submission).

Submission:

CeGaT Center for Human Genetics Tuebingen
Classification: Likely pathogenic. Last evaluated: 2025-10-01. Review status: criteria provided, single submitter. Criteria: CeGaT Center For Human Genetics Tuebingen Variant Classification Criteria Version 2. Collection method: clinical testing. Allele origin: germline. Affected: yes. Observed: 1 variant allele.
Comment: KCNN2: PVS1:Strong, PM2